The following is an entry in ClinVar:

NM_014159.7(SETD2):c.4242T>C (p.Asp1414=)

Gene: SETD2 (SET domain containing 2, histone lysine methyltransferase; minus strand). Cytogenetic location: 3p21.31.
Variant type: single nucleotide variant.
Coding change: c.4242T>C on transcript NM_014159.7 (MANE Select); coding-DNA position 4242, T replaced by C.
Protein change: p.Asp1414=; no amino-acid change (aspartic acid 1414 retained).
Molecular consequence: synonymous variant. On other transcripts: non-coding transcript variant (1).
Genome position (GRCh38, 1-based): chr3:47,120,394, A>G on the plus strand (T>C on the coding strand, the complement: SETD2 is on the minus strand). VCF-style: chr3-47120394-A-G. GRCh37 (hg19) VCF-style: chr3-47161884-A-G.
Other names: c.4110T>C, p.Asp1370= (NM_001349370.3).
Identifiers: ClinVar variation 4822699 (VCV004822699.4).

ClinVar aggregate classification (germline): Likely benign (1 of 4 stars; one submission).

Submission:

CeGaT Center for Human Genetics Tuebingen
Classification: Likely benign. Last evaluated: 2026-03-01. Review status: criteria provided, single submitter. Criteria: CeGaT Center For Human Genetics Tuebingen Variant Classification Criteria Version 2. Collection method: clinical testing. Allele origin: germline. Affected: yes. Observed: 1 variant allele.
Comment: SETD2: PM2:Supporting, BP4, BP7